The following is an entry in ClinVar:

NM_001035.3(RYR2):c.2936C>T (p.Ala979Val)

Gene: RYR2 (ryanodine receptor 2; plus strand). Cytogenetic location: 1q43.
Variant type: single nucleotide variant.
Coding change: c.2936C>T on transcript NM_001035.3 (MANE Select); coding-DNA position 2936, C replaced by T.
Protein change: p.Ala979Val; replaces alanine 979 with valine.
Molecular consequence: missense variant.
Genome position (GRCh38, 1-based): chr1:237,548,460, C>T. VCF-style: chr1-237548460-C-T. GRCh37 (hg19) VCF-style: chr1-237711760-C-T.
Other names: c.2936C>T (NM_001035.2); short protein forms A979V.
Identifiers: ClinVar variation 2774276 (VCV002774276.4), dbSNP rs1333831934, ClinGen allele CA345393482.

ClinVar aggregate classification (germline): Uncertain significance. Review status: criteria provided, multiple submitters, no conflicts (2 of 4 stars). 3 submissions from 3 submitters: Uncertain significance (3). Last evaluated 2026-04-11.

Conditions:
Cardiovascular phenotype. Identifiers: MedGen CN230736.
Catecholaminergic polymorphic ventricular tachycardia (CVPT). Also called: Catecholamine-induced polymorphic ventricular tachycardia. Identifiers: Orphanet 3286, MedGen C5574922, MONDO:0017990.
Cardiomyopathy (CMYO). Also called: Cardiomyopathies. Identifiers: Orphanet 167848, MedGen C0878544, MONDO:0004994, HP:0001638. Inheritance: Various modes of inheritance.

Allele frequency attached by ClinVar (database versions not stated): TOPMed 0.00001; gnomAD 0.00001.
gnomAD v4.1: 7 of 1,613,814 alleles (0.00043%); highest among the groups gnomAD compares: Non-Finnish European, 0.00051%; no homozygotes.

Submissions (3):

Ambry Genetics
Classification: Uncertain significance for Cardiovascular phenotype. Last evaluated: 2026-04-11. Review status: criteria provided, single submitter. Criteria: Ambry Variant Classification Scheme 2023. Collection method: clinical testing. Allele origin: germline.
Comment: The p.A979V variant (also known as c.2936C>T), located in coding exon 26 of the RYR2 gene, results from a C to T substitution at nucleotide position 2936. The alanine at codon 979 is replaced by valine, an amino acid with similar properties. This amino acid position is conserved. In addition, the in silico prediction for this alteration is inconclusive. Based on the available evidence, the clinical significance of this variant remains unclear.

Color Diagnostics, LLC DBA Color Health
Classification: Uncertain significance for Cardiomyopathy. Last evaluated: 2024-03-07. Review status: criteria provided, single submitter. Criteria: ACMG Guidelines, 2015. Collection method: clinical testing. Allele origin: germline.
Comment: This missense variant replaces alanine with valine at codon 979 of the RYR2 protein. Computational prediction is inconclusive regarding the impact of this variant on protein structure and function (internally defined REVEL score threshold 0.5 < inconclusive < 0.7, PMID: 27666373). To our knowledge, functional studies have not been reported for this variant. This variant has not been reported in individuals affected with cardiovascular disorders in the literature. This variant has not been identified in the general population by the Genome Aggregation Database (gnomAD). The available evidence is insufficient to determine the role of this variant in disease conclusively. Therefore, this variant is classified as a Variant of Uncertain Significance.

All of Us Research Program, National Institutes of Health
Classification: Uncertain significance for Catecholaminergic polymorphic ventricular tachycardia. Last evaluated: 2023-10-27. Review status: criteria provided, single submitter. Criteria: ACMG Guidelines, 2015. Collection method: clinical testing. Allele origin: germline. Inheritance: Autosomal dominant inheritance. Observed: 3 variant alleles, 3 heterozygotes.
Comment: This missense variant replaces alanine with valine at codon 979 of the RYR2 protein. Computational prediction is inconclusive regarding the impact of this variant on protein structure and function (internally defined REVEL score threshold 0.5 < inconclusive < 0.7, PMID: 27666373). To our knowledge, functional studies have not been reported for this variant. This variant has not been reported in individuals affected with cardiovascular disorders in the literature. This variant has not been identified in the general population by the Genome Aggregation Database (gnomAD). The available evidence is insufficient to determine the role of this variant in disease conclusively. Therefore, this variant is classified as a Variant of Uncertain Significance.

This study involves interpretation of variants in research participants for the purpose of population health screening. Participant phenotype was not available at the time of variant classification. Additional details can be found in publication PMID: 35346344, PMCID: PMC8962531